The following is an entry in ClinVar:

ClinVar aggregate classification (germline): Uncertain significance (1 of 4 stars; one submission).

Allele frequency attached by ClinVar (database versions not stated): gnomAD exomes 0.00005; TOPMed 0.00005; gnomAD 0.00006; 1000 Genomes Project 0.00020; 1000 Genomes Project 30x 0.00031.
gnomAD v4.1: 77 of 1,613,992 alleles (0.0048%); highest among the groups gnomAD compares: Admixed American, 0.0067%; no homozygotes.

Submission:

Labcorp Genetics (formerly Invitae), Labcorp
Classification: Uncertain significance. Last evaluated: 2024-01-04. Review status: criteria provided, single submitter. Criteria: Invitae Variant Classification Sherloc (09022015). Collection method: clinical testing. Allele origin: germline.
Comment: This sequence change replaces glycine, which is neutral and non-polar, with serine, which is neutral and polar, at codon 403 of the H6PD protein (p.Gly403Ser). This variant is present in population databases (rs377461550, gnomAD 0.009%). This variant has not been reported in the literature in individuals affected with H6PD-related conditions. Advanced modeling of protein sequence and biophysical properties (such as structural, functional, and spatial information, amino acid conservation, physicochemical variation, residue mobility, and thermodynamic stability) performed at Invitae indicates that this missense variant is not expected to disrupt H6PD protein function with a negative predictive value of 80%. In summary, the available evidence is currently insufficient to determine the role of this variant in disease. Therefore, it has been classified as a Variant of Uncertain Significance.

NM_004285.4(H6PD):c.1207G>A (p.Gly403Ser)

Gene: H6PD (hexose-6-phosphate dehydrogenase/glucose 1-dehydrogenase; plus strand). Cytogenetic location: 1p36.22.
Variant type: single nucleotide variant.
Coding change: c.1207G>A on transcript NM_004285.4 (MANE Select); coding-DNA position 1207, G replaced by A.
Protein change: p.Gly403Ser; replaces glycine 403 with serine.
Molecular consequence: missense variant.
Genome position (GRCh38, 1-based): chr1:9,263,700, G>A. VCF-style: chr1-9263700-G-A. GRCh37 (hg19) VCF-style: chr1-9323759-G-A.
Other names: c.1240G>A, p.Gly414Ser (NM_001282587.2); short protein forms G403S, G414S.
Identifiers: ClinVar variation 2889693 (VCV002889693.3), dbSNP rs377461550, ClinGen allele CA575237.